The following is an entry in ClinVar:

NM_001367805.3(KIF23):c.777A>G (p.Val259=)

Gene: KIF23 (kinesin family member 23; plus strand). Cytogenetic location: 15q23.
Variant type: single nucleotide variant.
Coding change: c.777A>G on transcript NM_001367805.3 (MANE Select); coding-DNA position 777, A replaced by G.
Protein change: p.Val259=; no amino-acid change (valine 259 retained).
Molecular consequence: synonymous variant. On other transcripts: non-coding transcript variant (2).
Genome position (GRCh38, 1-based): chr15:69,426,070, A>G. VCF-style: chr15-69426070-A-G. GRCh37 (hg19) VCF-style: chr15-69718409-A-G.
Other names: c.405A>G, p.Lys135= (NM_001281301.2); c.735A>G, p.Lys245= (NM_001367804.2, NM_004856.7, NM_138555.4).
Identifiers: ClinVar variation 2702690 (VCV002702690.4), dbSNP rs915242077, ClinGen allele CA272517597.

ClinVar aggregate classification (germline): Conflicting classifications of pathogenicity. Review status: criteria provided, conflicting classifications (1 of 4 stars). 2 submissions from 2 submitters: Uncertain significance (1); Likely benign (1). Last evaluated 2025-09-13.

Allele frequency attached by ClinVar (database versions not stated): gnomAD exomes below 0.00001; TOPMed 0.00002.
gnomAD v4.1: 10 of 1,568,238 alleles (0.00064%); highest among the groups gnomAD compares: East Asian, 0.0023%; no homozygotes.

Submissions (2):

Labcorp Genetics (formerly Invitae), Labcorp
Classification: Uncertain significance. Last evaluated: 2025-09-13. Review status: criteria provided, single submitter. Criteria: Invitae Variant Classification Sherloc (09022015). Collection method: clinical testing. Allele origin: germline.
Comment: This sequence change affects codon 245 of the KIF23 mRNA. It is a 'silent' change, meaning that it does not change the encoded amino acid sequence of the KIF23 protein. It affects a nucleotide within the consensus splice site. This variant is not present in population databases (gnomAD no frequency). This variant has not been reported in the literature in individuals affected with KIF23-related conditions. ClinVar contains an entry for this variant (Variation ID: 2702690). Algorithms developed to predict the effect of sequence changes on RNA splicing suggest that this variant is not likely to affect RNA splicing. In summary, the available evidence is currently insufficient to determine the role of this variant in disease. Therefore, it has been classified as a Variant of Uncertain Significance.

Blueprint Genetics
Classification: Likely benign. Last evaluated: 2023-04-27. Review status: criteria provided, single submitter. Criteria: ACMG Guidelines, 2015. Collection method: clinical testing. Allele origin: germline.